The following is an entry in ClinVar:

ClinVar aggregate classification (germline): Uncertain significance (1 of 4 stars; one submission).

Submission:

Labcorp Genetics (formerly Invitae), Labcorp
Classification: Uncertain significance. Last evaluated: 2019-12-28. Review status: criteria provided, single submitter. Criteria: Invitae Variant Classification Sherloc (09022015). Collection method: clinical testing. Allele origin: germline.
Comment: This variant has not been reported in the literature in individuals with USH2A-related conditions. In summary, the available evidence is currently insufficient to determine the role of this variant in disease. Therefore, it has been classified as a Variant of Uncertain Significance. Algorithms developed to predict the effect of missense changes on protein structure and function output the following: SIFT: "Tolerated"; PolyPhen-2: "Benign"; Align-GVGD: "Class C0". The histidine amino acid residue is found in multiple mammalian species, suggesting that this missense change does not adversely affect protein function. These predictions have not been confirmed by published functional studies and their clinical significance is uncertain. This variant is not present in population databases (ExAC no frequency). This sequence change replaces tyrosine with histidine at codon 4414 of the USH2A protein (p.Tyr4414His). The tyrosine residue is moderately conserved and there is a moderate physicochemical difference between tyrosine and histidine.

NM_206933.4(USH2A):c.13240T>C (p.Tyr4414His)

Gene: USH2A (usherin; minus strand). Cytogenetic location: 1q41.
Variant type: single nucleotide variant.
Coding change: c.13240T>C on transcript NM_206933.4 (MANE Select); coding-DNA position 13240, T replaced by C.
Protein change: p.Tyr4414His; replaces tyrosine 4414 with histidine.
Molecular consequence: missense variant.
Genome position (GRCh38, 1-based): chr1:215,674,671, A>G on the plus strand (T>C on the coding strand, the complement: USH2A is on the minus strand). VCF-style: chr1-215674671-A-G. GRCh37 (hg19) VCF-style: chr1-215848013-A-G.
Other names: short protein forms Y4414H.
Identifiers: ClinVar variation 860196 (VCV000860196.10), dbSNP rs1657941106, ClinGen allele CA344846051.
Genomic context (GRCh38, chr1:215,674,671, plus strand): 5'-ACACACTAGCTGTGCAACCTCCATTCGTGCAGGCTACAAGGGAGAAGTTATACTGAGAGT[A>G]AGGCTGCAGGTGGGAAACCAGCAGGCACAGGCCCTGGCCAGCAAGGGACTCTTTATTATC-3'
Protein context (NP_996816.3, residues 4404-4424): LCLLVSHLQP[Tyr4414His]SQYNFSLVAC